The following is an entry in ClinVar:

NM_000037.4(ANK1):c.389del (p.Leu130fs)

Gene: ANK1 (ankyrin 1; minus strand). Cytogenetic location: 8p11.21.
Variant type: Deletion.
Coding change: c.389del on transcript NM_000037.4 (MANE Select); coding-DNA position 389, one base deleted (T; older notation c.389delT).
Protein change: p.Leu130fs; shifts the reading frame from leucine 130.
Molecular consequence: frameshift variant.
Genome position (GRCh38, 1-based): chr8:41,727,287, A deleted on the plus strand (T on the coding strand, the reverse complement: ANK1 is on the minus strand); the first of 5 consecutive A bases (chr8:41,727,287-41,727,291); deleting any one gives the same sequence. VCF-style (leftmost placement, unchanged base first): chr8-41727286-TA-T. GRCh37 (hg19) VCF-style: chr8-41584804-TA-T.
Other names: c.488del, p.Leu163fs (NM_001142446.2); c.389del, p.Leu130fs (NM_020475.3, NM_020476.3, NM_020477.3); short protein forms L130fs, L163fs.
Identifiers: ClinVar variation 2104191 (VCV002104191.4), dbSNP rs2486997285, ClinGen allele CA2580078453.

ClinVar aggregate classification (germline): Pathogenic (1 of 4 stars; one submission).

Submission:

Labcorp Genetics (formerly Invitae), Labcorp
Classification: Pathogenic. Last evaluated: 2021-12-19. Review status: criteria provided, single submitter. Criteria: Invitae Variant Classification Sherloc (09022015). Collection method: clinical testing. Allele origin: germline.
Comment: For these reasons, this variant has been classified as Pathogenic. This variant has not been reported in the literature in individuals affected with ANK1-related conditions. This variant is not present in population databases (gnomAD no frequency). This sequence change creates a premature translational stop signal (p.Leu130Tyrfs*10) in the ANK1 gene. It is expected to result in an absent or disrupted protein product. Loss-of-function variants in ANK1 are known to be pathogenic (PMID: 8640229).

Literature cited by the submitters: PubMed 8640229.